The following is an entry in ClinVar:

ClinVar aggregate classification (germline): Uncertain significance (1 of 4 stars; one submission).

Submission:

Labcorp Genetics (formerly Invitae), Labcorp
Classification: Uncertain significance. Last evaluated: 2020-01-02. Review status: criteria provided, single submitter. Criteria: Invitae Variant Classification Sherloc (09022015). Collection method: clinical testing. Allele origin: germline.
Comment: This variant results in a copy number gain of the genomic region encompassing the full coding sequence of the PEX11B gene. The boundaries of this event are unknown as they extend beyond the assayed region for this gene and therefore may encompass additional genes. As the precise location of this event is unknown, it may be in tandem or it may be located elsewhere in the genome. This variant has not been reported in the literature in individuals with PEX11B-related conditions. In summary, the available evidence is currently insufficient to determine the role of this variant in disease. Therefore, it has been classified as a Variant of Uncertain Significance.

NC_000001.10:g.(?_145487304)_(145557112_?)dup

Genes: RBM8A (RNA binding motif protein 8A; minus strand), ANKRD35 (ankyrin repeat domain 35; minus strand), ITGA10 (integrin subunit alpha 10; minus strand), LIX1L (limb and CNS expressed 1 like; minus strand), PEX11B (peroxisomal biogenesis factor 11 beta; minus strand). Cytogenetic location: 1q21.1.
Variant type: Duplication.
Identifiers: ClinVar variation 830809 (VCV000830809.1).